The following is an entry in ClinVar:

ClinVar aggregate classification (germline): Pathogenic. Review status: criteria provided, single submitter (1 of 4 stars). 2 submissions from 2 submitters: Pathogenic (1). 1 of the submissions does not count toward it. Last evaluated 2023-06-05.

Conditions:
Aspartylglucosaminuria (AGU). Also called: AGA DEFICIENCY; Aspartylglucos-aminuria; Aspartylglucos-amidase (AGA) deficiency; GLYCOASPARAGINASE; GLYCOSYLASPARAGINASE DEFICIENCY. Identifiers: Orphanet 93, MedGen C0268225, MONDO:0008830, OMIM 208400, HP:0012068.

Allele frequency attached by ClinVar (database versions not stated): gnomAD exomes below 0.00001.

Submissions (2):

Labcorp Genetics (formerly Invitae), Labcorp
Classification: Pathogenic for Aspartylglucosaminuria. Last evaluated: 2023-06-05. Review status: criteria provided, single submitter. Criteria: Invitae Variant Classification Sherloc (09022015). Collection method: clinical testing. Allele origin: germline.
Comment: This variant is not present in population databases (gnomAD no frequency). For these reasons, this variant has been classified as Pathogenic. This variant disrupts a region of the AGA protein in which other variant(s) (p.Gly60Asp) have been determined to be pathogenic (PMID: 1722323, 11309371). This suggests that this is a clinically significant region of the protein, and that variants that disrupt it are likely to be disease-causing. ClinVar contains an entry for this variant (Variation ID: 551282). This variant has not been reported in the literature in individuals affected with AGA-related conditions. This sequence change affects the initiator methionine of the AGA mRNA. The next in-frame methionine is located at codon 63.

Counsyl
Classification: Likely pathogenic for Aspartylglucosaminuria. Last evaluated: 2017-03-29. Review status: no assertion criteria provided. Collection method: clinical testing. Allele origin: unknown. Not counted in ClinVar's aggregate classification.

Literature cited by the submitters: PubMed 1722323 (cited by Labcorp Genetics (formerly Invitae), Labcorp); PubMed 11309371 (cited by Labcorp Genetics (formerly Invitae), Labcorp).

NM_000027.4(AGA):c.3G>C (p.Met1Ile)

Gene: AGA (aspartylglucosaminidase; minus strand). Cytogenetic location: 4q34.3.
Variant type: single nucleotide variant.
Coding change: c.3G>C on transcript NM_000027.4 (MANE Select); coding-DNA position 3, G replaced by C.
Protein change: p.Met1Ile; changes the start codon (methionine 1).
Molecular consequence: missense variant, initiator codon variant. On other transcripts: non-coding transcript variant (1).
Genome position (GRCh38, 1-based): chr4:177,442,373, C>G on the plus strand (G>C on the coding strand, the complement: AGA is on the minus strand). VCF-style: chr4-177442373-C-G. GRCh37 (hg19) VCF-style: chr4-178363527-C-G.
Other names: c.3G>C, p.Met1Ile (NM_001171988.2); short protein forms M1I.
Identifiers: ClinVar variation 551282 (VCV000551282.6), dbSNP rs937973897, ClinGen allele CA358785214.